The following is an entry in ClinVar:

ClinVar aggregate classification (germline): Conflicting classifications of pathogenicity. Review status: criteria provided, conflicting classifications (1 of 4 stars). 2 submissions from 2 submitters: Uncertain significance (1); Likely benign (1). Last evaluated 2026-08-28.

Conditions:
LRSAM1-related disorder. Also called: LRSAM1-related condition.
Charcot-Marie-Tooth disease axonal type 2P. Also called: Charcot-Marie-Tooth Neuropathy Type 2G; CHARCOT-MARIE-TOOTH NEUROPATHY, TYPE 2P; CHARCOT-MARIE-TOOTH DISEASE, AXONAL, TYPE 2G; CMT 2G. Identifiers: Orphanet 300319, Orphanet 99941, MedGen C3280797, MONDO:0013753, OMIM 614436.

Allele frequency attached by ClinVar (database versions not stated): TOPMed below 0.00001; gnomAD 0.00001; gnomAD exomes 0.00003; ExAC 0.00005.
gnomAD v4.1: 43 of 1,612,506 alleles (0.0027%); highest among the groups gnomAD compares: South Asian, 0.022%; no homozygotes.

Submissions (2):

PreventionGenetics, part of Exact Sciences
Classification: Likely benign for LRSAM1-related condition. Last evaluated: 2026-08-28. Review status: criteria provided, single submitter. Criteria: ACMG Guidelines, 2015. Collection method: clinical testing. Allele origin: germline.
Comment: This variant is classified as likely benign based on ACMG/AMP sequence variant interpretation guidelines (Richards et al. 2015 PMID: 25741868, with internal and published modifications).

Labcorp Genetics (formerly Invitae), Labcorp
Classification: Uncertain significance for Charcot-Marie-Tooth disease axonal type 2P. Last evaluated: 2022-02-27. Review status: criteria provided, single submitter. Criteria: Invitae Variant Classification Sherloc (09022015). Collection method: clinical testing. Allele origin: germline.
Comment: In summary, the available evidence is currently insufficient to determine the role of this variant in disease. Therefore, it has been classified as a Variant of Uncertain Significance. Variants that disrupt the consensus splice site are a relatively common cause of aberrant splicing (PMID: 17576681, 9536098). Algorithms developed to predict the effect of sequence changes on RNA splicing suggest that this variant may create or strengthen a splice site. ClinVar contains an entry for this variant (Variation ID: 944977). This variant has not been reported in the literature in individuals affected with LRSAM1-related conditions. This variant is present in population databases (rs767249563, gnomAD 0.02%). This sequence change affects codon 682 of the LRSAM1 mRNA. It is a 'silent' change, meaning that it does not change the encoded amino acid sequence of the LRSAM1 protein. This variant also falls at the last nucleotide of exon 24, which is part of the consensus splice site for this exon.

Literature cited by the submitters: PubMed 17576681 (cited by Labcorp Genetics (formerly Invitae), Labcorp); PubMed 9536098 (cited by Labcorp Genetics (formerly Invitae), Labcorp).

NM_001005373.4(LRSAM1):c.2046G>A (p.Glu682=)

Gene: LRSAM1 (leucine rich repeat and sterile alpha motif containing 1; plus strand). Cytogenetic location: 9q34.11.
Variant type: single nucleotide variant.
Coding change: c.2046G>A on transcript NM_001005373.4 (MANE Select); coding-DNA position 2046, G replaced by A.
Protein change: p.Glu682=; no amino-acid change (glutamic acid 682 retained).
Molecular consequence: synonymous variant. On other transcripts: non-coding transcript variant (2).
Genome position (GRCh38, 1-based): chr9:127,501,143, G>A. VCF-style: chr9-127501143-G-A. GRCh37 (hg19) VCF-style: chr9-130263422-G-A.
Other names: c.2046G>A, p.Glu682= (NM_001005374.4, NM_001384142.1, NM_138361.5); c.1965G>A, p.Glu655= (NM_001190723.3); c.1947G>A, p.Glu649= (NM_001384143.1); c.1257G>A, p.Glu419= (NM_001384144.1).
Identifiers: ClinVar variation 944977 (VCV000944977.8), dbSNP rs767249563, ClinGen allele CA5247234.
Genomic context (GRCh38, chr9:127,501,143, plus strand): 5'-CGCTCCCCCTGCAGAGCTGGAGGTGCAGGCCTCAGAGTGTGTCGTGTGCCTGGAACGGGA[G>A]GTAAGTCCGGGGCCCTCCCCACCCGCCTGCCCTGCCTGTGGCCACCCTCCTCAAATTCTG-3'
Protein context (NP_001005373.1, residues 672-692): ASECVVCLER[Glu682=]AQMIFLNCGH